The following is an entry in ClinVar:

ClinVar aggregate classification (germline): Uncertain significance (1 of 4 stars; one submission).

gnomAD v4.1: 69 of 1,609,518 alleles (0.0043%); highest among the groups gnomAD compares: Non-Finnish European, 0.0058%; no homozygotes.

Submission:

GeneDx
Classification: Uncertain significance. Last evaluated: 2022-11-03. Review status: criteria provided, single submitter. Criteria: GeneDx Variant Classification Process June 2021. Collection method: clinical testing. Allele origin: germline. Affected: yes.
Comment: In silico analysis supports that this missense variant has a deleterious effect on protein structure/function; Has not been previously published as pathogenic or benign to our knowledge; Variants in candidate genes are classified as variants of uncertain significance in accordance with ACMG guidelines (Richards et al., 2015)

NM_018897.3(DNAH7):c.1238T>C (p.Ile413Thr)

Gene: DNAH7 (dynein axonemal heavy chain 7; minus strand). Cytogenetic location: 2q32.3.
Variant type: single nucleotide variant.
Coding change: c.1238T>C on transcript NM_018897.3 (MANE Select); coding-DNA position 1238, T replaced by C.
Protein change: p.Ile413Thr; replaces isoleucine 413 with threonine.
Molecular consequence: missense variant.
Genome position (GRCh38, 1-based): chr2:196,000,819, A>G on the plus strand (T>C on the coding strand, the complement: DNAH7 is on the minus strand). VCF-style: chr2-196000819-A-G. GRCh37 (hg19) VCF-style: chr2-196865543-A-G.
Other names: short protein forms I413T.
Identifiers: ClinVar variation 3342697 (VCV003342697.1).